The following is an entry in ClinVar:

NM_012186.3(FOXE3):c.166G>A (p.Ala56Thr)

Genes: FOXE3 (forkhead box E3; plus strand), LINC01389 (long independently transcribed non-coding RNA 1389; minus strand). Cytogenetic location: 1p33.
Variant type: single nucleotide variant.
Coding change: c.166G>A on transcript NM_012186.3 (MANE Select); coding-DNA position 166, G replaced by A.
Protein change: p.Ala56Thr; replaces alanine 56 with threonine.
Molecular consequence: missense variant.
Genome position (GRCh38, 1-based): chr1:47,416,481, G>A. VCF-style: chr1-47416481-G-A. GRCh37 (hg19) VCF-style: chr1-47882153-G-A.
Other names: c.166G>A (NM_012186.2); short protein forms A56T.
Identifiers: ClinVar variation 1004513 (VCV001004513.8), dbSNP rs916755482, ClinGen allele CA22068413.
Genomic context (GRCh38, chr1:47,416,481, plus strand): 5'-GAGCCAGGGCGGGAGCCAGAGGAGGCGGCGGCTGGCCGCGGAGAGGCGGCCCCCACGCCC[G>A]CGCCCGGCCCGGGGCGGCGGCGGCGGCGGCCCCTGCAGCGCGGGAAGCCGCCCTACTCGT-3'
Protein context (NP_036318.1, residues 46-66): AGRGEAAPTP[Ala56Thr]PGPGRRRRRP

ClinVar aggregate classification (germline): Conflicting classifications of pathogenicity. Review status: criteria provided, conflicting classifications (1 of 4 stars). 2 submissions from 2 submitters: Uncertain significance (1); Likely benign (1). Last evaluated 2026-01-18.

Conditions:
Congenital primary aphakia. Also called: Anterior segment dysgenesis 2, multiple subtypes; ANTERIOR SEGMENT DYSGENESIS 2. Identifiers: Orphanet 83461, MedGen C1853230, MONDO:0012456, OMIM 610256.
Anterior segment dysgenesis. Also called: Ocular anterior segment dysgenesis. Identifiers: Orphanet 88632, MedGen C1862839, MONDO:0019503, HP:0007700.
Cardiovascular phenotype. Identifiers: MedGen CN230736.

Allele frequency attached by ClinVar (database versions not stated): TOPMed 0.00006; gnomAD 0.00009 and 0.00010.

Submissions (2):

Labcorp Genetics (formerly Invitae), Labcorp
Classification: Uncertain significance for Anterior segment dysgenesis; Congenital primary aphakia. Last evaluated: 2026-01-18. Review status: criteria provided, single submitter. Criteria: Invitae Variant Classification Sherloc (09022015). Collection method: clinical testing. Allele origin: germline.
Comment: This sequence change replaces alanine, which is neutral and non-polar, with threonine, which is neutral and polar, at codon 56 of the FOXE3 protein (p.Ala56Thr). This variant is present in population databases (no rsID available, gnomAD 0.01%). This variant has not been reported in the literature in individuals affected with FOXE3-related conditions. ClinVar contains an entry for this variant (Variation ID: 1004513). Invitae Evidence Modeling of protein sequence and biophysical properties (such as structural, functional, and spatial information, amino acid conservation, physicochemical variation, residue mobility, and thermodynamic stability) indicates that this missense variant is not expected to disrupt FOXE3 protein function with a negative predictive value of 95%. In summary, the available evidence is currently insufficient to determine the role of this variant in disease. Therefore, it has been classified as a Variant of Uncertain Significance.

Ambry Genetics
Classification: Likely benign for Cardiovascular phenotype. Last evaluated: 2024-06-13. Review status: criteria provided, single submitter. Criteria: Ambry Variant Classification Scheme 2023. Collection method: clinical testing. Allele origin: germline.